The following is an entry in ClinVar:

ClinVar aggregate classification (germline): Uncertain significance. Review status: criteria provided, multiple submitters, no conflicts (2 of 4 stars). 2 submissions from 2 submitters: Uncertain significance (2). Last evaluated 2025-03-07.

Allele frequency attached by ClinVar (database versions not stated): gnomAD 0.00001; TOPMed 0.00001; gnomAD exomes 0.00002 and 0.00004; ExAC 0.00004.
gnomAD v4.1: 32 of 1,613,620 alleles (0.002%); highest among the groups gnomAD compares: Non-Finnish European, 0.0022%; no homozygotes.

Submissions (2):

Labcorp Genetics (formerly Invitae), Labcorp
Classification: Uncertain significance. Last evaluated: 2025-03-07. Review status: criteria provided, single submitter. Criteria: Invitae Variant Classification Sherloc (09022015). Collection method: clinical testing. Allele origin: germline.
Comment: This sequence change replaces asparagine, which is neutral and polar, with lysine, which is basic and polar, at codon 123 of the DHX37 protein (p.Asn123Lys). This variant is present in population databases (rs759402201, gnomAD 0.006%). This variant has not been reported in the literature in individuals affected with DHX37-related conditions. ClinVar contains an entry for this variant (Variation ID: 1694691). An algorithm developed to predict the effect of missense changes on protein structure and function (PolyPhen-2) suggests that this variant is likely to be tolerated. In summary, the available evidence is currently insufficient to determine the role of this variant in disease. Therefore, it has been classified as a Variant of Uncertain Significance.

CeGaT Center for Human Genetics Tuebingen
Classification: Uncertain significance. Last evaluated: 2022-05-01. Review status: criteria provided, single submitter. Criteria: CeGaT Center For Human Genetics Tuebingen Variant Classification Criteria Version 2. Collection method: clinical testing. Allele origin: germline. Affected: yes. Observed: 1 variant allele.
Comment: DHX37: PM2, BP4

NM_032656.4(DHX37):c.369C>A (p.Asn123Lys)

Gene: DHX37 (DEAH-box helicase 37; minus strand). Cytogenetic location: 12q24.31.
Variant type: single nucleotide variant.
Coding change: c.369C>A on transcript NM_032656.4 (MANE Select); coding-DNA position 369, C replaced by A.
Protein change: p.Asn123Lys; replaces asparagine 123 with lysine.
Molecular consequence: missense variant.
Genome position (GRCh38, 1-based): chr12:124,982,531, G>T on the plus strand (C>A on the coding strand, the complement: DHX37 is on the minus strand). VCF-style: chr12-124982531-G-T. GRCh37 (hg19) VCF-style: chr12-125467077-G-T.
Other names: short protein forms N123K.
Identifiers: ClinVar variation 1694691 (VCV001694691.34), dbSNP rs759402201, ClinGen allele CA6872473.
Genomic context (GRCh38, chr12:124,982,531, plus strand): 5'-TGGAGGGAGGGCAGGGTTAGCAAAGGACTGGCCAACTCACTCTTTGGTGTGATACATGCG[G>T]TTCCCAGTGCCTAGCTTGGAAGTGGTATAAAAGAGTCTCATCTCAGCTTCGGAAGCCTGG-3'
Protein context (NP_116045.2, residues 113-133): FYTTSKLGTG[Asn123Lys]RMYHTKEKAD